The following is an entry in ClinVar:

NM_004973.4(JARID2):c.1795T>G (p.Cys599Gly)

Gene: JARID2 (jumonji and AT-rich interaction domain containing 2; plus strand). Cytogenetic location: 6p22.3.
Variant type: single nucleotide variant.
Coding change: c.1795T>G on transcript NM_004973.4 (MANE Select); coding-DNA position 1795, T replaced by G.
Protein change: p.Cys599Gly; replaces cysteine 599 with glycine.
Molecular consequence: missense variant.
Genome position (GRCh38, 1-based): chr6:15,497,020, T>G. VCF-style: chr6-15497020-T-G. GRCh37 (hg19) VCF-style: chr6-15497251-T-G.
Other names: c.1279T>G, p.Cys427Gly (NM_001267040.1); short protein forms C427G, C599G.
Identifiers: ClinVar variation 4086427 (VCV004086427.1).
Genomic context (GRCh38, chr6:15,497,020, plus strand): 5'-GCTCAGGTGGAGAAGTTCGGGATGTGCAGGGTGATCCCCCCTCCGGACTGGCGGCCCGAG[T>G]GCAAGCTCAACGATGAGATGCGGTTTGTCACGCAGATTCAGCACATCCACAAGCTGGGCC-3'
Protein context (NP_004964.2, residues 589-609): VIPPPDWRPE[Cys599Gly]KLNDEMRFVT

ClinVar aggregate classification (germline): Uncertain significance (1 of 4 stars; one submission).

Submission:

GeneDx
Classification: Uncertain significance. Last evaluated: 2025-03-22. Review status: criteria provided, single submitter. Criteria: GeneDx Variant Classification Process June 2021. Collection method: clinical testing. Allele origin: germline. Affected: yes.
Comment: Not observed at significant frequency in large population cohorts (gnomAD); In silico analysis supports that this missense variant has a deleterious effect on protein structure/function; Has not been previously published as pathogenic or benign to our knowledge